The following is an entry in ClinVar:

NM_002715.4(PPP2CA):c.631A>G (p.Ile211Val)

Gene: PPP2CA (protein phosphatase 2 catalytic subunit alpha; minus strand). Cytogenetic location: 5q31.1.
Variant type: single nucleotide variant.
Coding change: c.631A>G on transcript NM_002715.4 (MANE Select); coding-DNA position 631, A replaced by G.
Protein change: p.Ile211Val; replaces isoleucine 211 with valine.
Molecular consequence: missense variant. On other transcripts: non-coding transcript variant (1).
Genome position (GRCh38, 1-based): chr5:134,200,442, T>C on the plus strand (A>G on the coding strand, the complement: PPP2CA is on the minus strand). VCF-style: chr5-134200442-T-C. GRCh37 (hg19) VCF-style: chr5-133536133-T-C.
Other names: c.436A>G, p.Ile146Val (NM_001355019.2); c.631A>G (NM_002715.2); short protein forms I146V, I211V.
Identifiers: ClinVar variation 3614769 (VCV003614769.3).

ClinVar aggregate classification (germline): Uncertain significance. Review status: criteria provided, multiple submitters, no conflicts (2 of 4 stars). 2 submissions from 2 submitters: Uncertain significance (2). Last evaluated 2025-10-30.

Conditions:
Inborn genetic diseases. Identifiers: MedGen C0950123, MeSH D030342.

Submissions (2):

Ambry Genetics
Classification: Uncertain significance for Inborn genetic diseases. Last evaluated: 2025-10-30. Review status: criteria provided, single submitter. Criteria: Ambry Variant Classification Scheme 2023. Collection method: clinical testing. Allele origin: germline.

Labcorp Genetics (formerly Invitae), Labcorp
Classification: Uncertain significance. Last evaluated: 2024-07-30. Review status: criteria provided, single submitter. Criteria: Invitae Variant Classification Sherloc (09022015). Collection method: clinical testing. Allele origin: germline.
Comment: This sequence change replaces isoleucine, which is neutral and non-polar, with valine, which is neutral and non-polar, at codon 211 of the PPP2CA protein (p.Ile211Val). This variant is not present in population databases (gnomAD no frequency). This variant has not been reported in the literature in individuals affected with PPP2CA-related conditions. Advanced modeling of protein sequence and biophysical properties (such as structural, functional, and spatial information, amino acid conservation, physicochemical variation, residue mobility, and thermodynamic stability) performed at Invitae indicates that this missense variant is not expected to disrupt PPP2CA protein function with a negative predictive value of 80%. In summary, the available evidence is currently insufficient to determine the role of this variant in disease. Therefore, it has been classified as a Variant of Uncertain Significance.